The following is an entry in ClinVar:

NM_198586.3(NHLRC1):c.583del (p.Asp195fs)

Gene: NHLRC1 (NHL repeat containing E3 ubiquitin protein ligase 1; minus strand). Cytogenetic location: 6p22.3.
Variant type: Deletion.
Coding change: c.583del on transcript NM_198586.3 (MANE Select); coding-DNA position 583, one base deleted (G; older notation c.583delG).
Protein change: p.Asp195fs; shifts the reading frame from aspartic acid 195.
Molecular consequence: frameshift variant.
Genome position (GRCh38, 1-based): chr6:18,122,024, C deleted on the plus strand (G on the coding strand, the reverse complement: NHLRC1 is on the minus strand). VCF-style (leftmost placement, unchanged base first): chr6-18122023-TC-T. GRCh37 (hg19) VCF-style: chr6-18122254-TC-T.
Other names: c.583delG (NM_198586.3); short protein forms D195fs.
Identifiers: ClinVar variation 1299569 (VCV001299569.1), dbSNP rs2150703022, ClinGen allele CA2499218196.

ClinVar aggregate classification (germline): Pathogenic (1 of 4 stars; one submission).

Conditions:
Lafora disease. Also called: Epilepsy progressive myoclonic 2. Identifiers: Orphanet 501, MedGen C0751783, MONDO:0009697.

Submission:

Laboratory of Medical Genetics, National & Kapodistrian University of Athens
Classification: Pathogenic for Myoclonic epilepsy of Lafora 1. Last evaluated: 2021-10-05. Review status: criteria provided, single submitter. Criteria: ACMG Guidelines, 2015. Collection method: clinical testing. Allele origin: unknown. Affected: yes.
Comment: PVS1, PM2, PP3